The following is an entry in ClinVar:

NM_001358530.2(MOCS1):c.8C>T (p.Ala3Val)

Gene: MOCS1 (molybdenum cofactor synthesis 1; minus strand). Cytogenetic location: 6p21.2.
Variant type: single nucleotide variant.
Coding change: c.8C>T on transcript NM_001358530.2 (MANE Select); coding-DNA position 8, C replaced by T.
Protein change: p.Ala3Val; replaces alanine 3 with valine.
Molecular consequence: missense variant. On other transcripts: 5 prime UTR variant (2), non-coding transcript variant (1).
Genome position (GRCh38, 1-based): chr6:39,934,410, G>A on the plus strand (C>T on the coding strand, the complement: MOCS1 is on the minus strand). VCF-style: chr6-39934410-G-A. GRCh37 (hg19) VCF-style: chr6-39902149-G-A.
Other names: c.8C>T, p.Ala3Val (NM_001075098.4, NM_001358529.2); c.-127C>T (NM_001358531.2, NM_001358533.2); short protein forms A3V.
Identifiers: ClinVar variation 2745858 (VCV002745858.3), dbSNP rs1299943727, ClinGen allele CA364030802.
Genomic context (GRCh38, chr6:39,934,410, plus strand): 5'-GAGCTGCAGCTCCGGGCGCTGGACCTCAGAAGCCGCCGCAGCATCCGGGACAGTGGCCGC[G>A]CCGCCATGAAGCCTGATACGAGCGGAACCGCAGCCCGCTTCGGGAGCACACTGGCCGGGC-3'
Protein context (NP_001345459.1, residues 1-13): MA[Ala3Val]RPLSRMLRRL

ClinVar aggregate classification (germline): Uncertain significance (1 of 4 stars; one submission).

Conditions:
Sulfite oxidase deficiency due to molybdenum cofactor deficiency type A. Also called: Molybdenum cofactor deficiency, complementation group A; Molybdenum Cofactor Deficiency A. Identifiers: Orphanet 308386, Orphanet 833, MedGen C1854988, MONDO:0009643, OMIM 252150.

gnomAD v4.1: 1 of 1,566,880 alleles (0.000064%); highest among the groups gnomAD compares: Admixed American, 0.0018%; no homozygotes.

Submission:

Labcorp Genetics (formerly Invitae), Labcorp
Classification: Uncertain significance for Sulfite oxidase deficiency due to molybdenum cofactor deficiency type A. Last evaluated: 2023-11-22. Review status: criteria provided, single submitter. Criteria: Invitae Variant Classification Sherloc (09022015). Collection method: clinical testing. Allele origin: germline.
Comment: This sequence change replaces alanine, which is neutral and non-polar, with valine, which is neutral and non-polar, at codon 3 of the MOCS1 protein (p.Ala3Val). The frequency data for this variant in the population databases is considered unreliable, as metrics indicate poor data quality at this position in the gnomAD database. This variant has not been reported in the literature in individuals affected with MOCS1-related conditions. Experimental studies and prediction algorithms are not available or were not evaluated, and the functional significance of this variant is currently unknown. In summary, the available evidence is currently insufficient to determine the role of this variant in disease. Therefore, it has been classified as a Variant of Uncertain Significance.